The following is an entry in ClinVar:

NM_001267550.2(TTN):c.7057C>T (p.Pro2353Ser)

Genes: TTN (titin; minus strand), LOC126806433 (BRD4-independent group 4 enhancer GRCh37_chr2:179638309-179639508; plus strand). Cytogenetic location: 2q31.2.
Variant type: single nucleotide variant.
Coding change: c.7057C>T on transcript NM_001267550.2 (MANE Select); coding-DNA position 7057, C replaced by T.
Protein change: p.Pro2353Ser; replaces proline 2353 with serine.
Molecular consequence: missense variant.
Genome position (GRCh38, 1-based): chr2:178,774,207, G>A on the plus strand (C>T on the coding strand, the complement: TTN is on the minus strand). VCF-style: chr2-178774207-G-A. GRCh37 (hg19) VCF-style: chr2-179638934-G-A.
Other names: c.7057C>T, p.Pro2353Ser (NM_001256850.1, NM_133378.4, NM_133379.5); c.6919C>T, p.Pro2307Ser (NM_003319.4, NM_133432.3, NM_133437.4); short protein forms P2307S, P2353S.
Identifiers: ClinVar variation 3375900 (VCV003375900.2).

ClinVar aggregate classification (germline): Uncertain significance. Review status: criteria provided, multiple submitters, no conflicts (2 of 4 stars). 2 submissions from 2 submitters: Uncertain significance (2). Last evaluated 2026-02-03.

gnomAD v4.1: 24 of 1,613,880 alleles (0.0015%); highest among the groups gnomAD compares: East Asian, 0.0022%; no homozygotes.

Submissions (2):

Women's Health and Genetics/Laboratory Corporation of America, LabCorp
Classification: Uncertain significance. Last evaluated: 2026-02-03. Review status: criteria provided, single submitter. Criteria: LabCorp Variant Classification Summary - May 2015. Collection method: clinical testing. Allele origin: germline.
Comment: Variant summary: TTN c.7057C>T (p.Pro2353Ser) results in a non-conservative amino acid change in the encoded protein sequence near a canonical splice site. Algorithms developed to predict the effect of missense changes on protein structure and function are either unavailable or do not agree on the potential impact of this missense change. Consensus agreement among computation tools predict no significant impact on normal splicing. However, these predictions have yet to be confirmed by functional studies. The variant allele was found at a frequency of 8e-06 in 251102 control chromosomes. The available data on variant occurrences in the general population are insufficient to allow any conclusion about variant significance. To our knowledge, no occurrence of c.7057C>T in individuals affected with TTN-related conditions and no experimental evidence demonstrating its impact on protein function have been reported. ClinVar contains an entry for this variant (Variation ID: 3375900). Based on the evidence outlined above, the variant was classified as uncertain significance.

GeneDx
Classification: Uncertain significance. Last evaluated: 2024-05-06. Review status: criteria provided, single submitter. Criteria: GeneDx Variant Classification Process June 2021. Collection method: clinical testing. Allele origin: germline. Affected: yes.
Comment: Not observed at significant frequency in large population cohorts (gnomAD); Missense variant in a gene in which most reported pathogenic variants are truncating/loss of function; Has not been previously published as pathogenic or benign to our knowledge; This variant is associated with the following publications: (PMID: 23975875)